The following is an entry in ClinVar:

ClinVar aggregate classification (germline): Pathogenic (1 of 4 stars; one submission).

Conditions:
Nephronophthisis. Also called: Juvenile Nephronophthisis. Identifiers: Orphanet 655, MedGen C0687120, MONDO:0019005, HP:0000090.

Submission:

Labcorp Genetics (formerly Invitae), Labcorp
Classification: Pathogenic for Nephronophthisis. Last evaluated: 2023-07-12. Review status: criteria provided, single submitter. Criteria: Invitae Variant Classification Sherloc (09022015). Collection method: clinical testing. Allele origin: germline.
Comment: This variant has not been reported in the literature in individuals affected with INVS-related conditions. For these reasons, this variant has been classified as Pathogenic. This sequence change creates a premature translational stop signal (p.Lys875*) in the INVS gene. It is expected to result in an absent or disrupted protein product. Loss-of-function variants in INVS are known to be pathogenic (PMID: 12872123). This variant is not present in population databases (gnomAD no frequency).

Literature cited by the submitters: PubMed 12872123.

NM_014425.5(INVS):c.2622dup (p.Lys875Ter)

Gene: INVS (inversin; plus strand). Cytogenetic location: 9q31.1.
Variant type: Duplication.
Coding change: c.2622dup on transcript NM_014425.5 (MANE Select); coding-DNA position 2622, one base duplicated (T; older notation c.2622dupT).
Protein change: p.Lys875Ter; replaces lysine 875 with a stop codon.
Molecular consequence: nonsense. On other transcripts: non-coding transcript variant (1).
Genome position (GRCh38, 1-based): chr9:100,292,879, T duplicated. VCF-style (leftmost placement, unchanged base first): chr9-100292878-C-CT. GRCh37 (hg19) VCF-style: chr9-103055160-C-CT.
Other names: c.2334dup, p.Lys779Ter (NM_001318381.2); c.1644dup, p.Lys549Ter (NM_001318382.2); short protein forms K549*, K875*, K779*.
Identifiers: ClinVar variation 2742789 (VCV002742789.3), dbSNP rs2490118090, ClinGen allele CA2697557921.